The following is an entry in ClinVar:

ClinVar aggregate classification (germline): Uncertain significance. Review status: criteria provided, multiple submitters, no conflicts (2 of 4 stars). 3 submissions from 3 submitters: Uncertain significance (3). Last evaluated 2024-12-03.

Conditions:
Hereditary cancer-predisposing syndrome. Also called: Hereditary neoplastic syndrome; Tumor predisposition; Neoplastic Syndromes, Hereditary; Hereditary Cancer Syndrome. Identifiers: Orphanet 140162, MedGen C0027672, MeSH D009386, MONDO:0015356.
Hereditary breast ovarian cancer syndrome. Also called: Hereditary breast and ovarian cancer; Hereditary breast and/or ovarian cancer syndrome; Breast and ovarian cancer; BRCA1- and BRCA2-Associated Hereditary Breast and Ovarian Cancer; Hereditary breast and ovarian cancer syndrome; Hereditary breast and ovarian cancer syndrome (HBOC). Identifiers: Orphanet 145, MedGen C0677776, MeSH D061325, MONDO:0003582. Disease mechanism: loss of function.
Pancreatic cancer, susceptibility to, 2. Identifiers: Orphanet 1333, MedGen C3150546, MONDO:0013235, OMIM 613347.

Allele frequency attached by ClinVar (database versions not stated): ExAC 0.00001; 1000 Genomes Project 30x 0.00016; 1000 Genomes Project 0.00020; gnomAD 0.00001.
gnomAD v4.1: 2 of 1,613,868 alleles (0.00012%); highest among the groups gnomAD compares: African/African-American, 0.0013%; no homozygotes.

Submissions (3):

Ambry Genetics
Classification: Uncertain significance for Hereditary cancer-predisposing syndrome. Last evaluated: 2024-12-03. Review status: criteria provided, single submitter. Criteria: Ambry Variant Classification Scheme 2023. Collection method: clinical testing. Allele origin: germline.
Comment: The p.W2788L variant (also known as c.8363G>T), located in coding exon 18 of the BRCA2 gene, results from a G to T substitution at nucleotide position 8363. The tryptophan at codon 2788 is replaced by leucine, an amino acid with similar properties. Experimental evidence indicates that this variant is non-functional based on assessment of homology-directed DNA repair (Ambry internal data). This amino acid position is highly conserved in available vertebrate species. In addition, this alteration is predicted to be deleterious by in silico analysis. Based on the available evidence, the clinical significance of this variant remains unclear.

Department of Human Genetics, Hannover Medical School
Classification: Uncertain significance for Pancreatic cancer, susceptibility to, 2. Last evaluated: 2024-06-10. Review status: criteria provided, single submitter. Criteria: ACMG Guidelines, 2015. Collection method: clinical testing. Allele origin: germline. Inheritance: Autosomal dominant inheritance. Affected: yes.

Labcorp Genetics (formerly Invitae), Labcorp
Classification: Uncertain significance for Hereditary breast ovarian cancer syndrome. Last evaluated: 2022-06-30. Review status: criteria provided, single submitter. Criteria: Invitae Variant Classification Sherloc (09022015). Collection method: clinical testing. Allele origin: germline.
Comment: In summary, the available evidence is currently insufficient to determine the role of this variant in disease. Therefore, it has been classified as a Variant of Uncertain Significance. Algorithms developed to predict the effect of missense changes on protein structure and function are either unavailable or do not agree on the potential impact of this missense change (SIFT: "Deleterious"; PolyPhen-2: "Probably Damaging"; Align-GVGD: "Class C0"). ClinVar contains an entry for this variant (Variation ID: 656996). This variant has not been reported in the literature in individuals affected with BRCA2-related conditions. This variant is not present in population databases (gnomAD no frequency). This sequence change replaces tryptophan, which is neutral and slightly polar, with leucine, which is neutral and non-polar, at codon 2788 of the BRCA2 protein (p.Trp2788Leu).

NM_000059.4(BRCA2):c.8363G>T (p.Trp2788Leu)

Gene: BRCA2 (BRCA2 DNA repair associated; plus strand). Cytogenetic location: 13q13.1.
Variant type: single nucleotide variant.
Coding change: c.8363G>T on transcript NM_000059.4 (MANE Select); coding-DNA position 8363, G replaced by T.
Protein change: p.Trp2788Leu; replaces tryptophan 2788 with leucine.
Molecular consequence: missense variant.
Genome position (GRCh38, 1-based): chr13:32,370,433, G>T. VCF-style: chr13-32370433-G-T. GRCh37 (hg19) VCF-style: chr13-32944570-G-T.
Other names: short protein forms W2788L.
Identifiers: ClinVar variation 656996 (VCV000656996.16), dbSNP rs80359080, ClinGen allele CA6941223.